The following is an entry in ClinVar:

NM_032520.5(GNPTG):c.772del (p.Arg258fs)

Gene: GNPTG (N-acetylglucosamine-1-phosphate transferase subunit gamma; plus strand). Cytogenetic location: 16p13.3.
Variant type: Deletion.
Coding change: c.772del on transcript NM_032520.5 (MANE Select); coding-DNA position 772, one base deleted (A; older notation c.772delA).
Protein change: p.Arg258fs; shifts the reading frame from arginine 258.
Molecular consequence: frameshift variant.
Genome position (GRCh38, 1-based): chr16:1,362,855, A deleted; the last of 4 consecutive A bases (chr16:1,362,852-1,362,855); deleting any one gives the same sequence. VCF-style (leftmost placement, unchanged base first): chr16-1362851-CA-C. GRCh37 (hg19) VCF-style: chr16-1412852-CA-C.
Other names: short protein forms R258fs.
Identifiers: ClinVar variation 850476 (VCV000850476.7), dbSNP rs2034941684, ClinGen allele CA916083469.

ClinVar aggregate classification (germline): Pathogenic (1 of 4 stars; one submission).

Submission:

Labcorp Genetics (formerly Invitae), Labcorp
Classification: Pathogenic. Last evaluated: 2024-04-24. Review status: criteria provided, single submitter. Criteria: Invitae Variant Classification Sherloc (09022015). Collection method: clinical testing. Allele origin: germline.
Comment: This sequence change creates a premature translational stop signal (p.Arg258Glyfs*2) in the GNPTG gene. It is expected to result in an absent or disrupted protein product. Loss-of-function variants in GNPTG are known to be pathogenic (PMID: 19370764, 20301784). This variant is not present in population databases (gnomAD no frequency). This variant has not been reported in the literature in individuals affected with GNPTG-related conditions. ClinVar contains an entry for this variant (Variation ID: 850476). Algorithms developed to predict the effect of sequence changes on RNA splicing suggest that this variant may disrupt the consensus splice site. For these reasons, this variant has been classified as Pathogenic.

Literature cited by the submitters: PubMed 19370764; PubMed 20301784.